The following is an entry in ClinVar:

NM_000070.3(CAPN3):c.984C>T (p.Cys328=)

Gene: CAPN3 (calpain 3; plus strand). Cytogenetic location: 15q15.1.
Variant type: single nucleotide variant.
Coding change: c.984C>T on transcript NM_000070.3 (MANE Select); coding-DNA position 984, C replaced by T.
Protein change: p.Cys328=; no amino-acid change (cysteine 328 retained).
Molecular consequence: synonymous variant.
Genome position (GRCh38, 1-based): chr15:42,392,677, C>T. VCF-style: chr15-42392677-C-T. GRCh37 (hg19) VCF-style: chr15-42684875-C-T.
Other names: p.Cys328=; c.984C>T, p.Cys328= (NM_024344.2); c.840C>T, p.Cys280= (NM_173087.2).
Identifiers: ClinVar variation 166787 (VCV000166787.51), dbSNP rs28364441, ClinGen allele CA179838.

ClinVar aggregate classification (germline): Benign/Likely benign. Review status: criteria provided, multiple submitters, no conflicts (2 of 4 stars). 14 submissions from 14 submitters: Benign (5); Likely benign (6). 3 of the submissions do not count toward it. Last evaluated 2026-03-01.

Conditions:
Autosomal recessive limb-girdle muscular dystrophy type 2A (LGMDR1). Also called: MUSCULAR DYSTROPHY, PELVOFEMORAL; Limb-girdle muscular dystrophy, type 2A; Calpainopathy; Muscular dystrophy, limb-girdle, type 2A, Amish; LEYDEN-MOEBIUS MUSCULAR DYSTROPHY. Identifiers: Orphanet 267, MedGen C1869123, MONDO:0009675, OMIM 253600. Disease mechanism: loss of function.
Muscular dystrophy, limb-girdle, autosomal dominant 4. Also called: MUSCULAR DYSTROPHY, LIMB-GIRDLE, TYPE 1I; Calpain-3-related limb-girdle muscular dystrophy D4. Identifiers: Orphanet 565909, MedGen C4748295, MONDO:0029133, OMIM 618129.
Inborn genetic diseases. Identifiers: MedGen C0950123, MeSH D030342.

Allele frequency attached by ClinVar (database versions not stated): 1000 Genomes Project 0.00160; 1000 Genomes Project 30x 0.00172; gnomAD 0.00579 and 0.00600; gnomAD exomes 0.00582 and 0.00752; ESP Exome Variant Server 0.00623; ExAC 0.00635; TOPMed 0.00640.
gnomAD v4.1: 11,820 of 1,613,836 alleles (0.73%); highest among the groups gnomAD compares: Non-Finnish European, 0.91%; 63 homozygotes.

Submissions (14):

CeGaT Center for Human Genetics Tuebingen
Classification: Likely benign. Last evaluated: 2026-03-01. Review status: criteria provided, single submitter. Criteria: CeGaT Center For Human Genetics Tuebingen Variant Classification Criteria Version 2. Collection method: clinical testing. Allele origin: germline. Affected: yes. Observed: 11 variant alleles.
Comment: CAPN3: BP4, BP7, BS2

Labcorp Genetics (formerly Invitae), Labcorp
Classification: Benign for Autosomal recessive limb-girdle muscular dystrophy type 2A. Last evaluated: 2026-02-04. Review status: criteria provided, single submitter. Criteria: Invitae Variant Classification Sherloc (09022015). Collection method: clinical testing. Allele origin: germline.

Blueprint Genetics
Classification: Likely benign. Last evaluated: 2024-11-27. Review status: criteria provided, single submitter. Criteria: ACMG Guidelines, 2015. Collection method: clinical testing. Allele origin: germline.

Ambry Genetics
Classification: Likely benign for Inborn genetic diseases. Last evaluated: 2023-05-23. Review status: criteria provided, single submitter. Criteria: Ambry Variant Classification Scheme 2023. Collection method: clinical testing. Allele origin: germline.

Fulgent Genetics
Classification: Benign for Autosomal recessive limb-girdle muscular dystrophy type 2A; Muscular dystrophy, limb-girdle, autosomal dominant 4. Last evaluated: 2021-12-08. Review status: criteria provided, single submitter. Criteria: ACMG Guidelines, 2015. Collection method: clinical testing. Allele origin: unknown.

Mayo Clinic Laboratories, Mayo Clinic
Classification: Benign. Last evaluated: 2019-03-21. Review status: criteria provided, single submitter. Criteria: ACMG Guidelines, 2015. Collection method: clinical testing. Allele origin: germline. Observed: 9 variant alleles.

Illumina Laboratory Services, Illumina
Classification: Likely benign for Limb-girdle muscular dystrophy, type 2A. Last evaluated: 2017-04-27. Review status: criteria provided, single submitter. Criteria: ICSL Variant Classification Criteria 13 December 2019. Collection method: clinical testing. Allele origin: germline.
Comment: This variant was observed as part of a predisposition screen in an ostensibly healthy population. A literature search was performed for the gene, cDNA change, and amino acid change (where applicable). Publications were found based on this search. The evidence from the literature, in combination with allele frequency data from public databases where available, was sufficient to determine this variant is unlikely to cause disease. Therefore, this variant is classified as likely benign.

GeneDx
Classification: Benign. Last evaluated: 2016-11-18. Review status: criteria provided, single submitter. Criteria: GeneDx Variant Classification (06012015). Collection method: clinical testing. Allele origin: germline. Affected: yes.
Comment: This variant is considered likely benign or benign based on one or more of the following criteria: it is a conservative change, it occurs at a poorly conserved position in the protein, it is predicted to be benign by multiple in silico algorithms, and/or has population frequency not consistent with disease.

Eurofins Ntd Llc (ga)
Classification: Benign. Last evaluated: 2014-01-27. Review status: criteria provided, single submitter. Criteria: EGL Classification Definitions 2015. Collection method: clinical testing. Allele origin: germline. Observed: 1 variant allele, 1 heterozygote.

Breakthrough Genomics
Classification: Likely benign. Review status: criteria provided, single submitter. Criteria: ACMG Guidelines, 2015. Collection method: not provided. Allele origin: germline. Inheritance: Autosomal recessive inheritance. Affected: yes.

PreventionGenetics, part of Exact Sciences
Classification: Likely benign. Review status: criteria provided, single submitter. Criteria: ACMG Guidelines, 2015. Collection method: clinical testing. Allele origin: germline.

Natera, Inc.
Classification: Benign for Limb-girdle muscular dystrophy type 2A. Last evaluated: 2020-09-16. Review status: no assertion criteria provided. Collection method: clinical testing. Allele origin: germline. Not counted in ClinVar's aggregate classification.

Genome Diagnostics Laboratory, University Medical Center Utrecht
Classification: Likely benign. Review status: no assertion criteria provided. Collection method: clinical testing. Allele origin: germline. Affected: yes. Study: VKGL Data-share Consensus. Not counted in ClinVar's aggregate classification.

Laboratory of Diagnostic Genome Analysis, Leiden University Medical Center (LUMC)
Classification: Likely benign. Review status: no assertion criteria provided. Collection method: clinical testing. Allele origin: germline. Affected: yes. Study: VKGL Data-share Consensus. Not counted in ClinVar's aggregate classification.

Literature cited by the submitters: PubMed 17526799 (cited by Illumina Laboratory Services, Illumina); PubMed 16971480 (cited by Illumina Laboratory Services, Illumina).